The following is an entry in ClinVar:

ClinVar aggregate classification (germline): Uncertain significance. Review status: criteria provided, multiple submitters, no conflicts (2 of 4 stars). 2 submissions from 2 submitters: Uncertain significance (2). Last evaluated 2022-07-19.

Conditions:
Granulomatous disease, chronic, autosomal recessive, cytochrome b-negative. Also called: CGD DUE TO DEFICIENCY OF THE ALPHA SUBUNIT OF CYTOCHROME b; CGD, AUTOSOMAL RECESSIVE CYTOCHROME b-NEGATIVE; CYBA DEFICIENCY; GRANULOMATOUS DISEASE, CHRONIC, AUTOSOMAL RECESSIVE, 4; Chronic granulomatous disease, autosomal, due to deficiency of CYBA. Identifiers: Orphanet 379, MedGen C1856255, MONDO:0009308, OMIM 233690.

Allele frequency attached by ClinVar (database versions not stated): gnomAD exomes 0.00006; gnomAD 0.00007; TOPMed 0.00007.
gnomAD v4.1: 128 of 1,554,890 alleles (0.0082%); highest among the groups gnomAD compares: Non-Finnish European, 0.01%; no homozygotes.

Submissions (2):

Labcorp Genetics (formerly Invitae), Labcorp
Classification: Uncertain significance for Granulomatous disease, chronic, autosomal recessive, cytochrome b-negative. Last evaluated: 2022-07-19. Review status: criteria provided, single submitter. Criteria: Invitae Variant Classification Sherloc (09022015). Collection method: clinical testing. Allele origin: germline.
Comment: This sequence change replaces alanine, which is neutral and non-polar, with threonine, which is neutral and polar, at codon 101 of the CYBA protein (p.Ala101Thr). The frequency data for this variant in the population databases is considered unreliable, as metrics indicate poor data quality at this position in the gnomAD database. This missense change has been observed in individual(s) with Crohn's disease (PMID: 29454792). ClinVar contains an entry for this variant (Variation ID: 1210395). Algorithms developed to predict the effect of missense changes on protein structure and function are either unavailable or do not agree on the potential impact of this missense change (SIFT: "Deleterious"; PolyPhen-2: "Probably Damaging"; Align-GVGD: "Class C0"). In summary, the available evidence is currently insufficient to determine the role of this variant in disease. Therefore, it has been classified as a Variant of Uncertain Significance.

Genome-Nilou Lab
Classification: Uncertain significance for Granulomatous disease, chronic, autosomal recessive, cytochrome b-negative. Last evaluated: 2021-07-22. Review status: criteria provided, single submitter. Criteria: ACMG Guidelines, 2015. Collection method: clinical testing. Allele origin: germline. Affected: no.

Literature cited by the submitters: PubMed 29454792 (cited by Labcorp Genetics (formerly Invitae), Labcorp).

NM_000101.4(CYBA):c.301G>A (p.Ala101Thr)

Gene: CYBA (cytochrome b-245 alpha chain; minus strand). Cytogenetic location: 16q24.2.
Variant type: single nucleotide variant.
Coding change: c.301G>A on transcript NM_000101.4 (MANE Select); coding-DNA position 301, G replaced by A.
Protein change: p.Ala101Thr; replaces alanine 101 with threonine.
Molecular consequence: missense variant.
Genome position (GRCh38, 1-based): chr16:88,646,184, C>T on the plus strand (G>A on the coding strand, the complement: CYBA is on the minus strand). VCF-style: chr16-88646184-C-T. GRCh37 (hg19) VCF-style: chr16-88712592-C-T.
Other names: short protein forms A101T.
Identifiers: ClinVar variation 1210395 (VCV001210395.5), dbSNP rs779140893, ClinGen allele CA8228262.